The following is an entry in ClinVar:

NM_003590.5(CUL3):c.2222T>C (p.Ile741Thr)

Gene: CUL3 (cullin 3; minus strand). Cytogenetic location: 2q36.2.
Variant type: single nucleotide variant.
Coding change: c.2222T>C on transcript NM_003590.5 (MANE Select); coding-DNA position 2222, T replaced by C.
Protein change: p.Ile741Thr; replaces isoleucine 741 with threonine.
Molecular consequence: missense variant.
Genome position (GRCh38, 1-based): chr2:224,474,330, A>G on the plus strand (T>C on the coding strand, the complement: CUL3 is on the minus strand). VCF-style: chr2-224474330-A-G. GRCh37 (hg19) VCF-style: chr2-225339047-A-G.
Other names: c.2222T>C (NM_003590.3); c.2024T>C, p.Ile675Thr (NM_001257197.2); c.2240T>C, p.Ile747Thr (NM_001257198.2); short protein forms I675T, I741T, I747T.
Identifiers: ClinVar variation 2440622 (VCV002440622.6), dbSNP rs778175467, ClinGen allele CA2139793.

ClinVar aggregate classification (germline): Conflicting classifications of pathogenicity. Review status: criteria provided, conflicting classifications (1 of 4 stars). 3 submissions from 3 submitters: Uncertain significance (2); Likely benign (1). Last evaluated 2026-06-01.

Conditions:
Inborn genetic diseases. Identifiers: MedGen C0950123, MeSH D030342.

Allele frequency attached by ClinVar (database versions not stated): TOPMed below 0.00001; gnomAD exomes 0.00001; ExAC 0.00002.
gnomAD v4.1: 18 of 1,614,016 alleles (0.0011%); highest among the groups gnomAD compares: Non-Finnish European, 0.0014%; no homozygotes.

Submissions (3):

CeGaT Center for Human Genetics Tuebingen
Classification: Likely benign. Last evaluated: 2026-06-01. Review status: criteria provided, single submitter. Criteria: CeGaT Center For Human Genetics Tuebingen Variant Classification Criteria Version 2. Collection method: clinical testing. Allele origin: germline. Affected: yes. Observed: 1 variant allele.
Comment: CUL3: PP2, PP3, BS2

Ambry Genetics
Classification: Uncertain significance for Inborn genetic diseases. Last evaluated: 2024-01-19. Review status: criteria provided, single submitter. Criteria: Ambry Variant Classification Scheme 2023. Collection method: clinical testing. Allele origin: germline.

Revvity Omics, Revvity
Classification: Uncertain significance. Last evaluated: 2021-12-03. Review status: criteria provided, single submitter. Criteria: ACMG Guidelines, 2015. Collection method: clinical testing. Allele origin: germline.